The following is an entry in ClinVar:

ClinVar aggregate classification (germline): Uncertain significance (1 of 4 stars; one submission).

gnomAD v4.1: 1 of 1,611,784 alleles (0.000062%); highest among the groups gnomAD compares: Non-Finnish European, 0.000085%; no homozygotes.

Submission:

Ambry Genetics
Classification: Uncertain significance. Last evaluated: 2026-04-11. Review status: criteria provided, single submitter. Criteria: Ambry Variant Classification Scheme 2023. Collection method: clinical testing. Allele origin: germline.
Comment: The p.R104L variant (also known as c.311G>T), located in coding exon 4 of the RINT1 gene, results from a G to T substitution at nucleotide position 311. The arginine at codon 104 is replaced by leucine, an amino acid with dissimilar properties. This amino acid position is conserved. In addition, this alteration is predicted to be tolerated by in silico analysis. Based on the available evidence, the clinical significance of this variant remains unclear.

NM_021930.6(RINT1):c.311G>T (p.Arg104Leu)

Gene: RINT1 (RAD50 interactor 1; plus strand). Cytogenetic location: 7q22.3.
Variant type: single nucleotide variant.
Coding change: c.311G>T on transcript NM_021930.6 (MANE Select); coding-DNA position 311, G replaced by T.
Protein change: p.Arg104Leu; replaces arginine 104 with leucine.
Molecular consequence: missense variant. On other transcripts: 5 prime UTR variant (3), non-coding transcript variant (1).
Genome position (GRCh38, 1-based): chr7:105,542,445, G>T. VCF-style: chr7-105542445-G-T. GRCh37 (hg19) VCF-style: chr7-105182892-G-T.
Other names: c.77G>T, p.Arg26Leu (NM_001346599.2); c.-709G>T (NM_001346600.2); c.-612G>T (NM_001346601.2); c.-232G>T (NM_001346603.2); short protein forms R104L, R26L.
Identifiers: ClinVar variation 4863328 (VCV004863328.1).